The following is an entry in ClinVar:

ClinVar aggregate classification (germline): Uncertain significance (1 of 4 stars; one submission).

gnomAD v4.1: 2 of 1,612,036 alleles (0.00012%); highest among the groups gnomAD compares: South Asian, 0.0011%; no homozygotes.

Submission:

Labcorp Genetics (formerly Invitae), Labcorp
Classification: Uncertain significance. Last evaluated: 2025-12-23. Review status: criteria provided, single submitter. Criteria: Invitae Variant Classification Sherloc (09022015). Collection method: clinical testing. Allele origin: germline.
Comment: This sequence change replaces isoleucine, which is neutral and non-polar, with valine, which is neutral and non-polar, at codon 1016 of the SUCO protein (p.Ile1016Val). This variant is not present in population databases (gnomAD no frequency). This variant has not been reported in the literature in individuals affected with SUCO-related conditions. An algorithm developed to predict the effect of missense changes on protein structure and function (PolyPhen-2) suggests that this variant is likely to be tolerated. In summary, the available evidence is currently insufficient to determine the role of this variant in disease. Therefore, it has been classified as a Variant of Uncertain Significance.

NM_014283.5(SUCO):c.3046A>G (p.Ile1016Val)

Gene: SUCO (SUN domain containing ossification factor; plus strand). Cytogenetic location: 1q24.3.
Variant type: single nucleotide variant.
Coding change: c.3046A>G on transcript NM_014283.5 (MANE Select); coding-DNA position 3046, A replaced by G.
Protein change: p.Ile1016Val; replaces isoleucine 1016 with valine.
Molecular consequence: missense variant.
Genome position (GRCh38, 1-based): chr1:172,602,091, A>G. VCF-style: chr1-172602091-A-G. GRCh37 (hg19) VCF-style: chr1-172571231-A-G.
Other names: c.1933A>G, p.Ile645Val (NM_001282750.2); c.1357A>G, p.Ile453Val (NM_001282751.2); c.3499A>G, p.Ile1167Val (NM_016227.4); short protein forms I453V, I645V, I1016V, I1167V.
Identifiers: ClinVar variation 4746613 (VCV004746613.1).